The following is an entry in ClinVar:

NM_001267550.2(TTN):c.70791del (p.Gly23598fs)

Genes: TTN (titin; minus strand), TTN-AS1 (TTN antisense RNA 1; plus strand). Cytogenetic location: 2q31.2.
Variant type: Deletion.
Coding change: c.70791del on transcript NM_001267550.2 (MANE Select); coding-DNA position 70791, one base deleted (A; older notation c.70791delA).
Protein change: p.Gly23598fs; shifts the reading frame from glycine 23598.
Molecular consequence: frameshift variant.
Genome position (GRCh38, 1-based): chr2:178,575,341, T deleted on the plus strand (A on the coding strand, the reverse complement: TTN is on the minus strand); the first of 2 consecutive T bases (chr2:178,575,341-178,575,342); deleting either gives the same sequence. VCF-style (leftmost placement, unchanged base first): chr2-178575340-CT-C. GRCh37 (hg19) VCF-style: chr2-179440067-CT-C.
Other names: c.65868del, p.Gly21957fs (NM_001256850.1); c.43596del, p.Gly14533fs (NM_003319.4); c.63087del, p.Gly21030fs (NM_133378.4); c.43971del, p.Gly14658fs (NM_133432.3); c.44172del, p.Gly14725fs (NM_133437.4); c.70791delA (LRG_391t1); short protein forms G14533fs, G14658fs, G14725fs, G21957fs, G21030fs, G23598fs.
Identifiers: ClinVar variation 223318 (VCV000223318.1), dbSNP rs869312076, ClinGen allele CA353314.
Genomic context (GRCh38, chr2:178,575,340, plus strand): 5'-CTCTAGGGGCACTTCTCCCCGCGCTGTTCACTGCCATCACTTGGAAGGTATATTCCTCTC[CT>C]TCAGTTAGATTCCTCACAACACATTCTAACCCTTTCACGGTTGTGATGTGGGTCCACTGG-3'

ClinVar aggregate classification (germline): Likely pathogenic (1 of 4 stars; one submission).

Conditions:
Primary dilated cardiomyopathy (DCM). Also called: Dilated Cardiomyopathy. Identifiers: Orphanet 217604, MedGen C0007193, MeSH D002311, MONDO:0005021, HP:0001644. Inheritance: Various modes of inheritance.

Submission:

Cardiovascular Biomedical Research Unit, Royal Brompton & Harefield NHS Foundation Trust
Classification: Likely pathogenic for Primary dilated cardiomyopathy. Last evaluated: 2014-10-08. Review status: criteria provided, single submitter. Criteria: Roberts et al. 2015. Collection method: research. Allele origin: germline. Inheritance: Autosomal dominant inheritance. Affected: yes. Observed: 1 variant allele. Study: Endstage DCM.
Comment: In the seven cohorts assessed, TTNtv were found in 14% of ambulant DCM, 22% end-stage or familial DCM, and 2% controls. Heterozygous nonsense, frameshift and canonical splice-disrupting variants found in constitutive and other highly utilised exons are highly likely to be pathogenic when identified in individuals with phenotypically confirmed DCM. TTNtv found incidentally in healthy individuals (excluding familial assessment of DCM relatives) are thought to have low penetrance, particularly when identified in exons that are not constitutively expressed in the heart.